The following is an entry in ClinVar:

NM_003177.7(SYK):c.1182-4G>A

Gene: SYK (spleen associated tyrosine kinase; plus strand). Cytogenetic location: 9q22.2.
Variant type: single nucleotide variant.
Coding change: c.1182-4G>A on transcript NM_003177.7 (MANE Select); 4 bases into the intron before coding-DNA position 1182, G replaced by A.
Molecular consequence: intron variant.
Genome position (GRCh38, 1-based): chr9:90,877,567, G>A. VCF-style: chr9-90877567-G-A. GRCh37 (hg19) VCF-style: chr9-93639849-G-A.
Other names: p.?; c.1113-4G>A (NM_001174168.3, NM_001135052.4); c.1182-4G>A (NM_001174167.3).
Identifiers: ClinVar variation 4683400 (VCV004683400.2).

ClinVar aggregate classification (germline): Benign. Review status: criteria provided, multiple submitters, no conflicts (2 of 4 stars). 2 submissions from 2 submitters: Benign (2). Last evaluated 2026-01-22.

gnomAD v4.1: 94,905 of 1,613,904 alleles (5.9%); highest among the groups gnomAD compares: South Asian, 15%; 3,337 homozygotes.

Submissions (2):

Women's Health and Genetics/Laboratory Corporation of America, LabCorp
Classification: Benign. Last evaluated: 2026-01-22. Review status: criteria provided, single submitter. Criteria: LabCorp Variant Classification Summary - May 2015. Collection method: clinical testing. Allele origin: germline.
Comment: Variant summary: SYK c.1182-4G>A alters a nucleotide located at a position not widely known to affect splicing. Consensus agreement among computation tools predict no significant impact on normal splicing. However, these predictions have yet to be confirmed by functional studies. The variant allele was found at a frequency of 0.067 in 251196 control chromosomes in the gnomAD database, including 679 homozygotes. The observed variant frequency exceeds the estimated maximal expected allele frequency for disease-causing variants in SYK. To our knowledge, no occurrence of c.1182-4G>A in individuals affected with SYK-related conditions and no experimental evidence demonstrating its impact on protein function have been reported. ClinVar contains an entry for this variant (Variation ID: 4683400). Based on the evidence outlined above, the variant was classified as benign.

Mayo Clinic Laboratories, Mayo Clinic
Classification: Benign. Last evaluated: 2022-09-06. Review status: criteria provided, single submitter. Criteria: ACMG Guidelines, 2015. Collection method: clinical testing. Allele origin: germline. Observed: 8 variant alleles.